The following is an entry in ClinVar:

NM_005732.4(RAD50):c.2793C>A (p.Asn931Lys)

Gene: RAD50 (RAD50 double strand break repair protein; plus strand). Cytogenetic location: 5q31.1.
Variant type: single nucleotide variant.
Coding change: c.2793C>A on transcript NM_005732.4 (MANE Select); coding-DNA position 2793, C replaced by A.
Protein change: p.Asn931Lys; replaces asparagine 931 with lysine.
Molecular consequence: missense variant.
Genome position (GRCh38, 1-based): chr5:132,608,689, C>A. VCF-style: chr5-132608689-C-A. GRCh37 (hg19) VCF-style: chr5-131944381-C-A.
Other names: short protein forms N931K.
Identifiers: ClinVar variation 3670081 (VCV003670081.2).

ClinVar aggregate classification (germline): Uncertain significance (1 of 4 stars; one submission).

Conditions:
Hereditary cancer-predisposing syndrome. Also called: Hereditary Cancer Syndrome; Hereditary neoplastic syndrome; Neoplastic Syndromes, Hereditary; Tumor predisposition. Identifiers: Orphanet 140162, MedGen C0027672, MeSH D009386, MONDO:0015356.

Submission:

Labcorp Genetics (formerly Invitae), Labcorp
Classification: Uncertain significance for Hereditary cancer-predisposing syndrome. Last evaluated: 2024-05-21. Review status: criteria provided, single submitter. Criteria: Invitae Variant Classification Sherloc (09022015). Collection method: clinical testing. Allele origin: germline.
Comment: This sequence change replaces asparagine, which is neutral and polar, with lysine, which is basic and polar, at codon 931 of the RAD50 protein (p.Asn931Lys). This variant is not present in population databases (gnomAD no frequency). This variant has not been reported in the literature in individuals affected with RAD50-related conditions. Advanced modeling of protein sequence and biophysical properties (such as structural, functional, and spatial information, amino acid conservation, physicochemical variation, residue mobility, and thermodynamic stability) performed at Invitae indicates that this missense variant is not expected to disrupt RAD50 protein function with a negative predictive value of 80%. In summary, the available evidence is currently insufficient to determine the role of this variant in disease. Therefore, it has been classified as a Variant of Uncertain Significance.